The following is an entry in ClinVar:

ClinVar aggregate classification (germline): Conflicting classifications of pathogenicity. Review status: criteria provided, conflicting classifications (1 of 4 stars). 2 submissions from 2 submitters: Uncertain significance (1); Benign (1). Last evaluated 2024-10-07.

Conditions:
Hereditary breast ovarian cancer syndrome. Also called: Hereditary breast and ovarian cancer; Hereditary breast and ovarian cancer syndrome; Hereditary breast and ovarian cancer syndrome (HBOC); Breast and ovarian cancer; BRCA1- and BRCA2-Associated Hereditary Breast and Ovarian Cancer; Hereditary breast and/or ovarian cancer syndrome. Identifiers: Orphanet 145, MedGen C0677776, MeSH D061325, MONDO:0003582. Disease mechanism: loss of function.
Hereditary cancer-predisposing syndrome. Also called: Tumor predisposition; Neoplastic Syndromes, Hereditary; Hereditary Cancer Syndrome; Hereditary neoplastic syndrome. Identifiers: Orphanet 140162, MedGen C0027672, MeSH D009386, MONDO:0015356.

Submissions (3):

Ambry Genetics
Classification: Benign for Hereditary cancer-predisposing syndrome. Last evaluated: 2024-10-07. Review status: criteria provided, single submitter. Criteria: Ambry Variant Classification Scheme 2023. Collection method: clinical testing. Allele origin: germline.

Labcorp Genetics (formerly Invitae), Labcorp
Classification: Uncertain significance for Hereditary breast ovarian cancer syndrome. Last evaluated: 2018-03-29. Review status: criteria provided, single submitter. Criteria: Invitae Variant Classification Sherloc (09022015). Collection method: clinical testing. Allele origin: germline.
Comment: This sequence change falls in intron 16 of the BRCA1 gene. It does not directly change the encoded amino acid sequence of the BRCA1 protein, but it affects a nucleotide within the consensus splice site of the intron. This variant is not present in population databases (ExAC no frequency). This variant has not been reported in the literature in individuals with BRCA1-related disease. Nucleotide substitutions within the consensus splice site are a relatively common cause of aberrant splicing (PMID: 17576681, 9536098). Algorithms developed to predict the effect of sequence changes on RNA splicing suggest that this variant is not likely to affect RNA splicing, but this prediction has not been confirmed by published transcriptional studies. In summary, the available evidence is currently insufficient to determine the role of this variant in disease. Therefore, it has been classified as a Variant of Uncertain Significance.

Brotman Baty Institute, University of Washington
No classification provided (evidence only). Condition: Breast-ovarian cancer, familial 1. Review status: no classification provided. Collection method: in vitro. Allele origin: not applicable. Functional consequence: functionally_normal. Not counted in ClinVar's aggregate classification.
ClinVar note: "not provided" was previously submitted as the classification for the variant. However, the classification appeared to be based only on an observation of functional data so it was converted to no classification on 2025-07-30.

Literature cited by the submitters: PubMed 30209399 (cited by Ambry Genetics); PubMed 17576681 (cited by Labcorp Genetics (formerly Invitae), Labcorp); PubMed 9536098 (cited by Labcorp Genetics (formerly Invitae), Labcorp).

NM_007294.4(BRCA1):c.5074+4T>C

Gene: BRCA1 (BRCA1 DNA repair associated; minus strand). Cytogenetic location: 17q21.31.
Variant type: single nucleotide variant.
Coding change: c.5074+4T>C on transcript NM_007294.4 (MANE Select); 4 bases into the intron after coding-DNA position 5074, T replaced by C.
Molecular consequence: intron variant.
Genome position (GRCh38, 1-based): chr17:43,067,604, A>G on the plus strand (T>C on the coding strand, the complement: BRCA1 is on the minus strand). VCF-style: chr17-43067604-A-G. GRCh37 (hg19) VCF-style: chr17-41219621-A-G.
Other names: c.1621+4T>C (NM_001408458.1, NM_001408461.1, NM_001408464.1 and 7 more transcripts); c.4183+4T>C (NM_001407967.1); c.4693+4T>C (NM_001407959.1); c.4807+4T>C (NM_001407931.1, NM_001407932.1, NM_001407928.1 and 4 more transcripts); c.4930+4T>C (NM_001407747.1, NM_001407745.1, NM_001407737.1 and 21 more transcripts); c.4690+4T>C (NM_001407962.1, NM_001407960.1); c.1261+4T>C (NM_001408512.1); c.1384+4T>C (NM_001408510.1); and 71 more.
Identifiers: ClinVar variation 582993 (VCV000582993.15), dbSNP rs1567771887, ClinGen allele CA891844421.